The following is an entry in ClinVar:

ClinVar aggregate classification (germline): Uncertain significance. Review status: criteria provided, multiple submitters, no conflicts (2 of 4 stars). 3 submissions from 3 submitters: Uncertain significance (3). Last evaluated 2025-03-04.

Conditions:
Hereditary cancer-predisposing syndrome. Also called: Hereditary Cancer Syndrome; Hereditary neoplastic syndrome; Neoplastic Syndromes, Hereditary; Tumor predisposition. Identifiers: Orphanet 140162, MedGen C0027672, MeSH D009386, MONDO:0015356.

Allele frequency attached by ClinVar (database versions not stated): gnomAD 0.00005; gnomAD exomes 0.00007; ExAC 0.00022; 1000 Genomes Project 30x 0.00047; 1000 Genomes Project 0.00060.
gnomAD v4.1: 110 of 1,613,944 alleles (0.0068%); highest among the groups gnomAD compares: South Asian, 0.11%; 1 homozygote.

Submissions (3):

Center for Genomic Medicine, Rigshospitalet, Copenhagen University Hospital
Classification: Uncertain significance. Last evaluated: 2025-03-04. Review status: criteria provided, single submitter. Criteria: ACMG Guidelines, 2015. Collection method: clinical testing. Allele origin: germline.

Ambry Genetics
Classification: Uncertain significance for Hereditary cancer-predisposing syndrome. Last evaluated: 2024-06-30. Review status: criteria provided, single submitter. Criteria: Ambry Variant Classification Scheme 2023. Collection method: clinical testing. Allele origin: germline.
Comment: The p.T47I variant (also known as c.140C>T), located in coding exon 1 of the GREM1 gene, results from a C to T substitution at nucleotide position 140. The threonine at codon 47 is replaced by isoleucine, an amino acid with similar properties. This amino acid position is conserved. In addition, this alteration is predicted to be tolerated by in silico analysis. Since supporting evidence is limited at this time, the clinical significance of this alteration remains unclear.

Department of Pathology and Laboratory Medicine, Sinai Health System
Classification: Uncertain significance for Hereditary cancer-predisposing syndrome. Last evaluated: 2020-05-08. Review status: criteria provided, single submitter. Criteria: ACMG Guidelines, 2015. Collection method: research. Allele origin: germline.

NM_013372.7(GREM1):c.140C>T (p.Thr47Ile)

Gene: GREM1 (gremlin 1, DAN family BMP antagonist; plus strand). Cytogenetic location: 15q13.3.
Variant type: single nucleotide variant.
Coding change: c.140C>T on transcript NM_013372.7 (MANE Select); coding-DNA position 140, C replaced by T.
Protein change: p.Thr47Ile; replaces threonine 47 with isoleucine.
Molecular consequence: missense variant. On other transcripts: intron variant (2).
Genome position (GRCh38, 1-based): chr15:32,730,830, C>T. VCF-style: chr15-32730830-C-T. GRCh37 (hg19) VCF-style: chr15-33023031-C-T.
Other names: c.140C>T, p.Thr47Ile (NM_001368719.1); c.114+26C>T (NM_001191323.2); c.28-98C>T (NM_001191322.2); short protein forms T47I.
Identifiers: ClinVar variation 1771990 (VCV001771990.7), dbSNP rs545952537, ClinGen allele CA7456114.